The following is an entry in ClinVar:

ClinVar aggregate classification (germline): Likely benign (1 of 4 stars; one submission).

Submission:

CeGaT Center for Human Genetics Tuebingen
Classification: Likely benign. Last evaluated: 2026-05-01. Review status: criteria provided, single submitter. Criteria: CeGaT Center For Human Genetics Tuebingen Variant Classification Criteria Version 2. Collection method: clinical testing. Allele origin: germline. Affected: yes. Observed: 1 variant allele.
Comment: FZD8: BP4, BP7

NM_031866.3(FZD8):c.1113C>T (p.Gly371=)

Gene: FZD8 (frizzled class receptor 8; minus strand). Cytogenetic location: 10p11.21.
Variant type: single nucleotide variant.
Coding change: c.1113C>T on transcript NM_031866.3 (MANE Select); coding-DNA position 1113, C replaced by T.
Protein change: p.Gly371=; no amino-acid change (glycine 371 retained).
Molecular consequence: synonymous variant.
Genome position (GRCh38, 1-based): chr10:35,640,317, G>A on the plus strand (C>T on the coding strand, the complement: FZD8 is on the minus strand). VCF-style: chr10-35640317-G-A. GRCh37 (hg19) VCF-style: chr10-35929245-G-A.
Identifiers: ClinVar variation 4872815 (VCV004872815.2).